The following is an entry in ClinVar:

NM_000214.3(JAG1):c.551G>C (p.Arg184Pro)

Gene: JAG1 (jagged canonical Notch ligand 1; minus strand). Cytogenetic location: 20p12.2.
Variant type: single nucleotide variant.
Coding change: c.551G>C on transcript NM_000214.3 (MANE Select); coding-DNA position 551, G replaced by C.
Protein change: p.Arg184Pro; replaces arginine 184 with proline.
Molecular consequence: missense variant.
Genome position (GRCh38, 1-based): chr20:10,658,611, C>G on the plus strand (G>C on the coding strand, the complement: JAG1 is on the minus strand). VCF-style: chr20-10658611-C-G. GRCh37 (hg19) VCF-style: chr20-10639259-C-G.
Other names: short protein forms R184P.
Identifiers: ClinVar variation 3573329 (VCV003573329.2).

Conditions:
Arteriohepatic dysplasia. Also called: Alagille Syndrome. Identifiers: Orphanet 52, MedGen C0085280, MeSH D016738, MONDO:0007318.

Submission:

Gilbert/Spinner Lab, Children's Hospital of Philadelphia
No classification provided (evidence only). Condition: Alagille syndrome. Review status: no classification provided. Collection method: research. Allele origin: not applicable. Functional consequence: functionally_abnormal.
ClinVar note: "not provided" was previously submitted as the classification for the variant. However, the classification appeared to be based only on an observation of functional data so it was converted to no classification on 2025-07-30.